The following is an entry in ClinVar:

ClinVar aggregate classification (germline): Uncertain significance (1 of 4 stars; one submission).

gnomAD v4.1: 3 of 1,551,728 alleles (0.00019%); highest among the groups gnomAD compares: African/African-American, 0.0041%; no homozygotes.

Submission:

GeneDx
Classification: Uncertain significance. Last evaluated: 2025-01-23. Review status: criteria provided, single submitter. Criteria: GeneDx Variant Classification Process June 2021. Collection method: clinical testing. Allele origin: germline. Affected: yes.
Comment: Not observed at significant frequency in large population cohorts (gnomAD); In silico analysis indicates that this missense variant does not alter protein structure/function; Has not been previously published as pathogenic or benign to our knowledge

NM_001367479.1(DNAH14):c.1648T>G (p.Phe550Val)

Gene: DNAH14 (dynein axonemal heavy chain 14; plus strand). Cytogenetic location: 1q42.12.
Variant type: single nucleotide variant.
Coding change: c.1648T>G on transcript NM_001367479.1 (MANE Select); coding-DNA position 1648, T replaced by G.
Protein change: p.Phe550Val; replaces phenylalanine 550 with valine.
Molecular consequence: missense variant.
Genome position (GRCh38, 1-based): chr1:225,042,994, T>G. VCF-style: chr1-225042994-T-G. GRCh37 (hg19) VCF-style: chr1-225230696-T-G.
Other names: NM_001373.1:c.1648T>G; short protein forms F550V.
Identifiers: ClinVar variation 4071672 (VCV004071672.1).